The following is an entry in ClinVar:

ClinVar aggregate classification (germline): Likely pathogenic. Review status: criteria provided, multiple submitters, no conflicts (2 of 4 stars). 2 submissions from 2 submitters: Likely pathogenic (2). Last evaluated 2023-06-19.

Conditions:
Trichohepatoenteric syndrome 2 (THES2). Identifiers: Orphanet 84064, MedGen C3281289, MONDO:0013818, OMIM 614602.

Allele frequency attached by ClinVar (database versions not stated): gnomAD exomes below 0.00001.
gnomAD v4.1: 5 of 1,588,462 alleles (0.00031%); highest among the groups gnomAD compares: Admixed American, 0.0018%; no homozygotes.

Submissions (2):

Department of Pathology and Laboratory Medicine, Sinai Health System
Classification: Likely pathogenic for trichohepatoenteric syndrome 2. Last evaluated: 2023-06-19. Review status: criteria provided, single submitter. Criteria: ACMG Guidelines, 2015. Collection method: research. Allele origin: germline.

Labcorp Genetics (formerly Invitae), Labcorp
Classification: Likely pathogenic. Last evaluated: 2022-04-24. Review status: criteria provided, single submitter. Criteria: Invitae Variant Classification Sherloc (09022015). Collection method: clinical testing. Allele origin: germline.
Comment: This variant has not been reported in the literature in individuals affected with SKIV2L-related conditions. In summary, the currently available evidence indicates that the variant is pathogenic, but additional data are needed to prove that conclusively. Therefore, this variant has been classified as Likely Pathogenic. Algorithms developed to predict the effect of sequence changes on RNA splicing suggest that this variant may disrupt the consensus splice site. The frequency data for this variant in the population databases is considered unreliable, as metrics indicate poor data quality at this position in the gnomAD database. This sequence change affects an acceptor splice site in intron 5 of the SKIV2L gene. It is expected to disrupt RNA splicing. Variants that disrupt the donor or acceptor splice site typically lead to a loss of protein function (PMID: 16199547), and loss-of-function variants in SKIV2L are known to be pathogenic (PMID: 22444670).

Literature cited by the submitters: PubMed 16199547 (cited by Labcorp Genetics (formerly Invitae), Labcorp); PubMed 22444670 (cited by Labcorp Genetics (formerly Invitae), Labcorp).

NM_006929.5(SKIC2):c.470-1G>A

Gene: SKIC2 (SKI2 subunit of superkiller complex; plus strand). Cytogenetic location: 6p21.33.
Variant type: single nucleotide variant.
Coding change: c.470-1G>A on transcript NM_006929.5 (MANE Select); the canonical splice acceptor site of the intron before coding-DNA position 470, G replaced by A.
Molecular consequence: splice acceptor variant.
Genome position (GRCh38, 1-based): chr6:31,960,665, G>A. VCF-style: chr6-31960665-G-A. GRCh37 (hg19) VCF-style: chr6-31928442-G-A.
Identifiers: ClinVar variation 2119580 (VCV002119580.5), dbSNP rs1475859257, ClinGen allele CA363440109.